The following is an entry in ClinVar:

NM_003705.5(SLC25A12):c.1457C>T (p.Ala486Val)

Gene: SLC25A12 (solute carrier family 25 member 12; minus strand). Cytogenetic location: 2q31.1.
Variant type: single nucleotide variant.
Coding change: c.1457C>T on transcript NM_003705.5 (MANE Select); coding-DNA position 1457, C replaced by T.
Protein change: p.Ala486Val; replaces alanine 486 with valine.
Molecular consequence: missense variant. On other transcripts: non-coding transcript variant (1).
Genome position (GRCh38, 1-based): chr2:171,791,579, G>A on the plus strand (C>T on the coding strand, the complement: SLC25A12 is on the minus strand). VCF-style: chr2-171791579-G-A. GRCh37 (hg19) VCF-style: chr2-172648089-G-A.
Other names: short protein forms A486V.
Identifiers: ClinVar variation 1972813 (VCV001972813.5), dbSNP rs750049648, ClinGen allele CA1966102.

ClinVar aggregate classification (germline): Uncertain significance (1 of 4 stars; one submission).

Allele frequency attached by ClinVar (database versions not stated): ExAC 0.00001; gnomAD exomes 0.00001.
gnomAD v4.1: 10 of 1,613,908 alleles (0.00062%); highest among the groups gnomAD compares: Non-Finnish European, 0.00085%; no homozygotes.

Submission:

Labcorp Genetics (formerly Invitae), Labcorp
Classification: Uncertain significance. Last evaluated: 2024-02-17. Review status: criteria provided, single submitter. Criteria: Invitae Variant Classification Sherloc (09022015). Collection method: clinical testing. Allele origin: germline.
Comment: This sequence change replaces alanine, which is neutral and non-polar, with valine, which is neutral and non-polar, at codon 486 of the SLC25A12 protein (p.Ala486Val). This variant is present in population databases (rs750049648, gnomAD 0.0009%). This variant has not been reported in the literature in individuals affected with SLC25A12-related conditions. ClinVar contains an entry for this variant (Variation ID: 1972813). Advanced modeling of protein sequence and biophysical properties (such as structural, functional, and spatial information, amino acid conservation, physicochemical variation, residue mobility, and thermodynamic stability) performed at Invitae indicates that this missense variant is expected to disrupt SLC25A12 protein function with a positive predictive value of 80%. In summary, the available evidence is currently insufficient to determine the role of this variant in disease. Therefore, it has been classified as a Variant of Uncertain Significance.